The following is an entry in ClinVar:

NM_006206.6(PDGFRA):c.1598T>G (p.Val533Gly)

Gene: PDGFRA (platelet derived growth factor receptor alpha; plus strand). Cytogenetic location: 4q12.
Variant type: single nucleotide variant.
Coding change: c.1598T>G on transcript NM_006206.6 (MANE Select); coding-DNA position 1598, T replaced by G.
Protein change: p.Val533Gly; replaces valine 533 with glycine.
Molecular consequence: missense variant.
Genome position (GRCh38, 1-based): chr4:54,274,570, T>G. VCF-style: chr4-54274570-T-G. GRCh37 (hg19) VCF-style: chr4-55140737-T-G.
Other names: c.1598T>G, p.Val533Gly (NM_001347827.2, NM_001347829.2); c.1673T>G, p.Val558Gly (NM_001347828.2); c.1637T>G, p.Val546Gly (NM_001347830.2); short protein forms V533G, V546G, V558G.
Identifiers: ClinVar variation 3225264 (VCV003225264.1), dbSNP rs2110296468, ClinGen allele CA356892895.

ClinVar aggregate classification (germline): Uncertain significance (1 of 4 stars; one submission).

Conditions:
Hereditary cancer-predisposing syndrome. Also called: Neoplastic Syndromes, Hereditary; Tumor predisposition; Hereditary neoplastic syndrome; Hereditary Cancer Syndrome. Identifiers: Orphanet 140162, MedGen C0027672, MeSH D009386, MONDO:0015356.

Submission:

Ambry Genetics
Classification: Uncertain significance for Hereditary cancer-predisposing syndrome. Last evaluated: 2023-11-15. Review status: criteria provided, single submitter. Criteria: Ambry Variant Classification Scheme 2023. Collection method: clinical testing. Allele origin: germline.
Comment: The p.V533G variant (also known as c.1598T>G), located in coding exon 10 of the PDGFRA gene, results from a T to G substitution at nucleotide position 1598. The valine at codon 533 is replaced by glycine, an amino acid with dissimilar properties. This amino acid position is conserved. In addition, this alteration is predicted to be deleterious by in silico analysis. Since supporting evidence is limited at this time, the clinical significance of this alteration remains unclear.